The following is an entry in ClinVar:

NM_002691.4(POLD1):c.2155-2A>G

Gene: POLD1 (DNA polymerase delta 1, catalytic subunit; plus strand). Cytogenetic location: 19q13.33.
Variant type: single nucleotide variant.
Coding change: c.2155-2A>G on transcript NM_002691.4 (MANE Select); the canonical splice acceptor site of the intron before coding-DNA position 2155, A replaced by G.
Molecular consequence: splice acceptor variant.
Genome position (GRCh38, 1-based): chr19:50,413,424, A>G. VCF-style: chr19-50413424-A-G. GRCh37 (hg19) VCF-style: chr19-50916681-A-G.
Other names: c.2155-2A>G (NM_001256849.1); c.2233-2A>G (NM_001308632.1).
Identifiers: ClinVar variation 998690 (VCV000998690.9), dbSNP rs2039156679, ClinGen allele CA406983415.

ClinVar aggregate classification (germline): Uncertain significance (1 of 4 stars; one submission).

Conditions:
POLD1-related polyposis and colorectal cancer syndrome (CRCS10). Also called: Colorectal cancer 10; COLORECTAL CANCER, SUSCEPTIBILITY TO, ON CHROMOSOME 19q; Colorectal cancer, susceptibility to, 10. Identifiers: Orphanet 220460, MedGen C2675481, MONDO:0012953, OMIM 612591.

Submission:

Labcorp Genetics (formerly Invitae), Labcorp
Classification: Uncertain significance for POLD1-related polyposis and colorectal cancer syndrome. Last evaluated: 2020-05-05. Review status: criteria provided, single submitter. Criteria: Invitae Variant Classification Sherloc (09022015). Collection method: clinical testing. Allele origin: germline.
Comment: Missense variants that disrupt the 3'-5' exonuclease (proof-reading) activity of the POLD1 protein, are associated with an increased risk for colonic adenomatous polyps and colon cancer (PMID: 23263490, 23447401). However loss-of-function variants, which result in an absent or severely disrupted POLD1 protein, and missense variants outside the exonuclease domain, are unlikely to be associated with polyposis or colon cancer. Without further clinical and genetic evidence, this variant has been classified as a Variant of Uncertain Significance. Algorithms developed to predict the effect of sequence changes on RNA splicing suggest that this variant may disrupt the consensus splice site, but this prediction has not been confirmed by published transcriptional studies. This variant has not been reported in the literature in individuals with POLD1-related conditions. This variant is not present in population databases (ExAC no frequency). This sequence change affects an acceptor splice site in intron 17 of the POLD1 gene. It is expected to disrupt RNA splicing and likely results in an absent or disrupted protein product.

Literature cited by the submitters: PubMed 23263490; PubMed 23447401.